The following is an entry in ClinVar:

NM_005751.5(AKAP9):c.11378C>G (p.Ser3793Cys)

Gene: AKAP9 (A-kinase anchoring protein 9; plus strand). Cytogenetic location: 7q21.2.
Variant type: single nucleotide variant.
Coding change: c.11378C>G on transcript NM_005751.5 (MANE Select); coding-DNA position 11378, C replaced by G.
Protein change: p.Ser3793Cys; replaces serine 3793 with cysteine.
Molecular consequence: missense variant.
Genome position (GRCh38, 1-based): chr7:92,105,725, C>G. VCF-style: chr7-92105725-C-G. GRCh37 (hg19) VCF-style: chr7-91735039-C-G.
Other names: c.6023C>G, p.Ser2008Cys (NM_001379277.1); c.11354C>G, p.Ser3785Cys (NM_147185.3); short protein forms S3793C, S3785C, S2008C.
Identifiers: ClinVar variation 180266 (VCV000180266.15), dbSNP rs730880044, ClinGen allele CA346166.

ClinVar aggregate classification (germline): Uncertain significance. Review status: criteria provided, multiple submitters, no conflicts (2 of 4 stars). 4 submissions from 4 submitters: Uncertain significance (4). Last evaluated 2025-10-15.

Conditions:
Cardiovascular phenotype. Identifiers: MedGen CN230736.
Long QT syndrome (LQTS). Identifiers: MedGen C0023976, MeSH D008133, MONDO:0002442. Disease mechanism: loss of function. Inheritance: Various modes of inheritance.
Long QT syndrome 1 (LQT1). Identifiers: Orphanet 101016, Orphanet 768, MedGen C4551647, MONDO:0100316, OMIM 192500, MONDO:0008646.

Allele frequency attached by ClinVar (database versions not stated): gnomAD 0.00001; gnomAD exomes 0.00001 and 0.00003; TOPMed 0.00001.
gnomAD v4.1: 17 of 1,613,986 alleles (0.0011%); highest among the groups gnomAD compares: Non-Finnish European, 0.0014%; no homozygotes.

Submissions (4):

Labcorp Genetics (formerly Invitae), Labcorp
Classification: Uncertain significance for Long QT syndrome. Last evaluated: 2025-10-15. Review status: criteria provided, single submitter. Criteria: Invitae Variant Classification Sherloc (09022015). Collection method: clinical testing. Allele origin: germline.
Comment: This sequence change replaces serine, which is neutral and polar, with cysteine, which is neutral and slightly polar, at codon 3793 of the AKAP9 protein (p.Ser3793Cys). This variant is present in population databases (rs730880044, gnomAD 0.002%). This variant has not been reported in the literature in individuals affected with AKAP9-related conditions. ClinVar contains an entry for this variant (Variation ID: 180266). An algorithm developed to predict the effect of missense changes on protein structure and function (PolyPhen-2) suggests that this variant is likely to be tolerated. In summary, the available evidence is currently insufficient to determine the role of this variant in disease. Therefore, it has been classified as a Variant of Uncertain Significance.

Ambry Genetics
Classification: Uncertain significance for Cardiovascular phenotype. Last evaluated: 2025-02-13. Review status: criteria provided, single submitter. Criteria: Ambry Variant Classification Scheme 2023. Collection method: clinical testing. Allele origin: germline.
Comment: The p.S3793C variant (also known as c.11378C>G), located in coding exon 47 of the AKAP9 gene, results from a C to G substitution at nucleotide position 11378. The serine at codon 3793 is replaced by cysteine, an amino acid with dissimilar properties. This amino acid position is not well conserved in available vertebrate species. In addition, this alteration is predicted to be tolerated by in silico analysis. The evidence for this gene-disease relationship is limited; therefore, the clinical significance of this alteration is unclear.

Blueprint Genetics
Classification: Uncertain significance. Last evaluated: 2023-10-20. Review status: criteria provided, single submitter. Criteria: ACMG Guidelines, 2015. Collection method: clinical testing. Allele origin: germline.

Molecular Diagnostic Laboratory for Inherited Cardiovascular Disease, Montreal Heart Institute
Classification: Uncertain significance for Long QT syndrome 1. Last evaluated: 2019-07-15. Review status: criteria provided, single submitter. Criteria: ACMG Guidelines, 2015. Collection method: clinical testing. Allele origin: germline. Affected: yes.